The following is an entry in ClinVar:

ClinVar aggregate classification (germline): Conflicting classifications of pathogenicity. Review status: criteria provided, conflicting classifications (1 of 4 stars). 2 submissions from 2 submitters: Uncertain significance (1); Likely benign (1). Last evaluated 2025-09-07.

Conditions:
Mitochondrial complex II deficiency, nuclear type 1. Also called: SUCCINATE CoQ REDUCTASE DEFICIENCY. Identifiers: Orphanet 3208, MedGen C5700310, MONDO:0100294, OMIM 252011.
Pheochromocytoma/paraganglioma syndrome 5. Also called: Paragangliomas 5; SDHA-Related Hereditary Paraganglioma-Pheochromocytoma Syndrome. Identifiers: Orphanet 29072, MedGen C3279992, MONDO:0013602, OMIM 614165.
Hereditary cancer-predisposing syndrome. Also called: Neoplastic Syndromes, Hereditary; Hereditary Cancer Syndrome; Hereditary neoplastic syndrome; Tumor predisposition. Identifiers: Orphanet 140162, MedGen C0027672, MeSH D009386, MONDO:0015356.

Allele frequency attached by ClinVar (database versions not stated): gnomAD exomes below 0.00001; ExAC 0.00001; gnomAD 0.00001.
gnomAD v4.1: 3 of 1,590,428 alleles (0.00019%); highest among the groups gnomAD compares: Non-Finnish European, 0.00026%; no homozygotes.

Submissions (3):

Labcorp Genetics (formerly Invitae), Labcorp
Classification: Uncertain significance for Pheochromocytoma/paraganglioma syndrome 5; Mitochondrial complex II deficiency, nuclear type 1. Last evaluated: 2025-09-07. Review status: criteria provided, single submitter. Criteria: Invitae Variant Classification Sherloc (09022015). Collection method: clinical testing. Allele origin: germline.
Comment: This sequence change affects codon 517 of the SDHA mRNA. It is a 'silent' change, meaning that it does not change the encoded amino acid sequence of the SDHA protein. This variant also falls at the last nucleotide of exon 11, which is part of the consensus splice site for this exon. This variant is present in population databases (rs772822136, gnomAD 0.002%). This variant has not been reported in the literature in individuals affected with SDHA-related conditions. ClinVar contains an entry for this variant (Variation ID: 1506025). Variants that disrupt the consensus splice site are a relatively common cause of aberrant splicing (PMID: 17576681, 9536098). Algorithms developed to predict the effect of sequence changes on RNA splicing suggest that this variant is not likely to affect RNA splicing. In summary, the available evidence is currently insufficient to determine the role of this variant in disease. Therefore, it has been classified as a Variant of Uncertain Significance.

Ambry Genetics
Classification: Likely benign for Hereditary cancer-predisposing syndrome. Last evaluated: 2025-01-01. Review status: criteria provided, single submitter. Criteria: Ambry Variant Classification Scheme 2023. Collection method: clinical testing. Allele origin: germline.

Dr. Peter K. Rogan Lab, Western University
No classification provided (evidence only). Condition: Lung cancer. Review status: no classification provided. Collection method: in vitro. Allele origin: not applicable. Functional consequence: retained intron. Not counted in ClinVar's aggregate classification.

Literature cited by the submitters: PubMed 17576681 (cited by Labcorp Genetics (formerly Invitae), Labcorp); PubMed 9536098 (cited by Labcorp Genetics (formerly Invitae), Labcorp).

NM_004168.4(SDHA):c.1551G>A (p.Lys517=)

Gene: SDHA (succinate dehydrogenase complex flavoprotein subunit A; plus strand). Cytogenetic location: 5p15.33.
Variant type: single nucleotide variant.
Coding change: c.1551G>A on transcript NM_004168.4 (MANE Select); coding-DNA position 1551, G replaced by A.
Protein change: p.Lys517=; no amino-acid change (lysine 517 retained).
Molecular consequence: synonymous variant.
Genome position (GRCh38, 1-based): chr5:240,476, G>A. VCF-style: chr5-240476-G-A. GRCh37 (hg19) VCF-style: chr5-240591-G-A.
Other names: c.1407G>A, p.Lys469= (NM_001294332.2); c.1551G>A, p.Lys517= (NM_001330758.2).
Identifiers: ClinVar variation 1506025 (VCV001506025.10), dbSNP rs772822136, ClinGen allele CA3173271.